The following is an entry in ClinVar:

ClinVar aggregate classification (germline): Conflicting classifications of pathogenicity. Review status: criteria provided, conflicting classifications (1 of 4 stars). 8 submissions from 8 submitters: Pathogenic (6); Likely pathogenic (1); Uncertain significance (1). Last evaluated 2025-12-30.

Conditions:
Retinitis pigmentosa 25 (RP25). Identifiers: Orphanet 791, MedGen C1864446, MONDO:0011272, OMIM 602772.
EYS-related disorder. Also called: EYS-related condition.
Retinal dystrophy. Also called: Inherited retinal dystrophy. Identifiers: Orphanet 71862, MedGen C0854723, MeSH D058499, MONDO:0019118, HP:0000556.

Submissions (8):

Natera, Inc.
Classification: Pathogenic for Retinitis pigmentosa type 25. Last evaluated: 2025-12-30. Review status: criteria provided, single submitter. Criteria: Natera Variant Classification Schema (03/2026). Collection method: clinical testing. Allele origin: germline.
Comment: The c.9186_9187delCA variant in EYS is a frameshift variant predicted to shift the reading frame beginning at codon 3062 and leads to a stop codon 9 codons downstream. This variant is expected to result in nonsense mediated decay, truncation, or a dysfunctional protein product. This variant is rare in the general population with a frequency below the threshold expected for the associated phenotype(s). This variant has been observed in one or more individuals affected with the associated recessive disease, as either homozygous or compound heterozygous with a second variant (PMID: 31213501, 25356976). Given the available evidence, this variant is classified as Pathogenic.

Labcorp Genetics (formerly Invitae), Labcorp
Classification: Pathogenic. Last evaluated: 2025-10-12. Review status: criteria provided, single submitter. Criteria: Invitae Variant Classification Sherloc (09022015). Collection method: clinical testing. Allele origin: germline.
Comment: This sequence change creates a premature translational stop signal (p.Asn3062Lysfs*9) in the EYS gene. While this is not anticipated to result in nonsense mediated decay, it is expected to disrupt the last 83 amino acid(s) of the EYS protein. This variant is present in population databases (no rsID available, gnomAD 0.003%). This premature translational stop signal has been observed in individual(s) with retinitis pigmentosa (PMID: 25356976). ClinVar contains an entry for this variant (Variation ID: 289313). This variant disrupts a region of the EYS protein in which other variant(s) (p.Val3096Leufs*28) have been determined to be pathogenic (PMID: 24474277, 26261414, 29550188). This suggests that this is a clinically significant region of the protein, and that variants that disrupt it are likely to be disease-causing. For these reasons, this variant has been classified as Pathogenic.

Fulgent Genetics
Classification: Likely pathogenic for Retinitis pigmentosa 25. Last evaluated: 2024-03-22. Review status: criteria provided, single submitter. Criteria: ACMG Guidelines, 2015. Collection method: clinical testing. Allele origin: germline.

Baylor Genetics
Classification: Pathogenic for Retinitis pigmentosa 25. Last evaluated: 2023-11-15. Review status: criteria provided, single submitter. Criteria: ACMG Guidelines, 2015. Collection method: clinical testing. Allele origin: unknown.

Dept Of Ophthalmology, Nagoya University
Classification: Uncertain significance for Retinal dystrophy. Last evaluated: 2023-10-01. Review status: criteria provided, single submitter. Criteria: Submitter's publication. Collection method: research. Allele origin: germline. Affected: yes.

Mendelics
Classification: Pathogenic for Retinitis pigmentosa 25. Last evaluated: 2022-05-04. Review status: criteria provided, single submitter. Criteria: Mendelics Assertion Criteria 2019. Collection method: clinical testing. Allele origin: germline.

Blueprint Genetics
Classification: Pathogenic for EYS-related disorders. Last evaluated: 2022-04-04. Review status: criteria provided, single submitter. Criteria: ACMG Guidelines, 2015. Collection method: clinical testing. Allele origin: germline. Affected: yes. Observed: 5 variant alleles.

Eurofins Ntd Llc (ga)
Classification: Pathogenic. Last evaluated: 2016-08-25. Review status: criteria provided, single submitter. Criteria: EGL Classification Definitions 2015. Collection method: clinical testing. Allele origin: germline. Observed: 1 variant allele, 1 heterozygote.

Literature cited by the submitters: PubMed 31213501 (cited by Natera, Inc.); PubMed 25356976 (cited by Natera, Inc. and Labcorp Genetics (formerly Invitae), Labcorp); PubMed 24474277 (cited by Labcorp Genetics (formerly Invitae), Labcorp); PubMed 26261414 (cited by Labcorp Genetics (formerly Invitae), Labcorp); PubMed 29550188 (cited by Labcorp Genetics (formerly Invitae), Labcorp).

NM_001142800.2(EYS):c.9186_9187del (p.Asn3062fs)

Genes: EYS (EGF-like photoreceptor maintenance factor; minus strand), PHF3 (PHD finger protein 3; plus strand). Cytogenetic location: 6q12.
Variant type: Deletion.
Coding change: c.9186_9187del on transcript NM_001142800.2 (MANE Select); coding-DNA positions 9186 to 9187, 2 bases deleted (CA; older notation c.9186_9187delCA).
Protein change: p.Asn3062fs; shifts the reading frame from asparagine 3062.
Molecular consequence: frameshift variant. On other transcripts: 3 prime UTR variant (5).
Genome position (GRCh38, 1-based): chr6:63,720,844-63,720,845, TG deleted on the plus strand (CA on the coding strand, the reverse complement: EYS is on the minus strand); deleting any 2 consecutive bases within chr6:63,720,844-63,720,846 gives the same sequence; the c. name uses the placement nearest the transcript's 3' end. VCF-style (leftmost placement, unchanged base first): chr6-63720843-CTG-C. GRCh37 (hg19) VCF-style: chr6-64430739-CTG-C.
Other names: c.9186_9187delCA (NM_001142800.2); c.*7137_*7138del (NM_001290259.2, NM_001370348.2, NM_001370349.2 and 2 more transcripts); c.9249_9250del, p.Asn3083fs (NM_001292009.2); c.9186_9187del (NM_001142800.1); short protein forms N3062fs, N3083fs.
Identifiers: ClinVar variation 289313 (VCV000289313.23), dbSNP rs886044149, ClinGen allele CA10606408.
Genomic context (GRCh38, chr6:63,720,843, plus strand): 5'-CCATCATAGTTTAGAGCCACAAAGTTTTTATGTGGATCAATATCCTCGGAAAGAATTAGA[CTG>C]TTATTTATGTAGGCCTTGATAAGAGTCTGATTTTGAATTACAACTACATGGTGCCATTTA-3'